The following is an entry in ClinVar:

NM_004333.6(BRAF):c.-95GCCTCC[3]

Genes: BRAF (B-Raf proto-oncogene, serine/threonine kinase; minus strand), LOC129999507 (ATAC-STARR-seq lymphoblastoid silent region 18716; plus strand). Cytogenetic location: 7q34.
Variant type: Microsatellite.
Coding change: c.-95GCCTCC[3] on transcript NM_004333.6 (MANE Select); three copies in a row of the 6-base unit GCCTCC starting at c.-95; the reference has four copies in a row; one copy, 6 bases deleted.
Molecular consequence: 5 prime UTR variant.
Genome position (GRCh38, 1-based): chr7:140,924,775-140,924,780, GGAGGC deleted on the plus strand (GCCTCC on the coding strand, the reverse complement: BRAF is on the minus strand); deleting any 6 consecutive bases within chr7:140,924,775-140,924,803 gives the same sequence; the position shown is the placement nearest the transcript's 3' end. VCF-style (leftmost placement, unchanged base first): chr7-140924774-GGGAGGC-G. GRCh37 (hg19) VCF-style: chr7-140624574-GGGAGGC-G.
Other names: c.-95GCCTCC[3] (NM_001354609.2, NM_001374244.1, NM_001374258.1 and 7 more transcripts).
Identifiers: ClinVar variation 162805 (VCV000162805.4), dbSNP rs727502907, ClinGen allele CA175349.

ClinVar aggregate classification (germline): Uncertain significance (1 of 4 stars; one submission).

Submission:

Laboratory for Molecular Medicine, Mass General Brigham Personalized Medicine
Classification: Uncertain significance. Last evaluated: 2010-07-26. Review status: criteria provided, single submitter. Criteria: LMM Criteria. Collection method: clinical testing. Allele origin: germline. Observed: 2 variant alleles.
Comment: Variant classified as Uncertain Significance - Favor Benign. This variant has no t been previously reported in the literature. The BRAF -77_-72del variant repres ents a 6 bp deletion of the final repeat in a repeat sequence upstream of the 5' UTR of BRAF. I n conclusion, the effect, or lack of effect, of this deletion on BRAF promoter a ctivity can not be determined at this time.